The following is an entry in ClinVar:

NC_000003.12:g.(?_4452866)_(4467255_?)del

Gene: SUMF1 (sulfatase modifying factor 1; minus strand). Cytogenetic location: 3p26.1.
Variant type: Deletion.
Identifiers: ClinVar variation 831130 (VCV000831130.5).

ClinVar aggregate classification (germline): Pathogenic (1 of 4 stars; one submission).

Conditions:
Multiple sulfatase deficiency (MSD). Also called: Multiple Sulfatase Deficiency Disease; Sulfatidosis, Juvenile, Austin Type; Mucosulfatidosis. Identifiers: Orphanet 585, MedGen C0268263, MONDO:0010088, OMIM 272200.

Submission:

Labcorp Genetics (formerly Invitae), Labcorp
Classification: Pathogenic for Multiple sulfatase deficiency. Last evaluated: 2019-04-10. Review status: criteria provided, single submitter. Criteria: Invitae Variant Classification Sherloc (09022015). Collection method: clinical testing. Allele origin: germline.
Comment: This variant is a gross deletion of the genomic region encompassing exons 1-2 of the SUMF1 gene, which includes the initiator codon. The 5' end of this event is unknown as it extends beyond the assayed region for this gene and therefore may encompass additional genes. The 3' boundary is likely confined to intron 2 of the SUMF1 gene. This is expected to result in an absent or disrupted protein product. This variant has not been reported in the literature in individuals with SUMF1-related conditions. For these reasons, this variant has been classified as Pathogenic. Loss-of-function variants in SUMF1 are known to be pathogenic (PMID: 12757705, 12757706, 25885655).

Literature cited by the submitters: PubMed 12757705; PubMed 12757706; PubMed 25885655.